The following is an entry in ClinVar:

ClinVar aggregate classification (germline): Conflicting classifications of pathogenicity. Review status: criteria provided, conflicting classifications (1 of 4 stars). 17 submissions from 13 submitters: Uncertain significance (4); Benign (5); Likely benign (7). 1 of the submissions does not count toward it. Last evaluated 2026-01-27.

Conditions:
Cardiovascular phenotype. Identifiers: MedGen CN230736.
TTN-related disorder. Also called: TTN-related condition; TTN-related disease; TTN-related disorders.
Dilated cardiomyopathy 1G (CMD1G). Identifiers: Orphanet 154, MedGen C1858763, MONDO:0011400, OMIM 604145.
Autosomal recessive limb-girdle muscular dystrophy type 2J (LGMDR10). Also called: Limb-girdle muscular dystrophy, type 2J; MUSCULAR DYSTROPHY, LIMB-GIRDLE, AUTOSOMAL RECESSIVE 10. Identifiers: Orphanet 140922, MedGen C1837342, MONDO:0012127, OMIM 608807.
Cardiomyopathy (CMYO). Also called: Cardiomyopathies. Identifiers: Orphanet 167848, MedGen C0878544, MONDO:0004994, HP:0001638. Inheritance: Various modes of inheritance.
Myopathy, myofibrillar, 9, with early respiratory failure (MFM9). Also called: EDSTROM MYOPATHY; MYOPATHY, PROXIMAL, WITH EARLY RESPIRATORY MUSCLE INVOLVEMENT; Hereditary myopathy with early respiratory failure; Myopathy, distal, with early respiratory failure, autosomal dominant. Identifiers: Orphanet 178464, Orphanet 34521, MedGen C1863599, MONDO:0011362, OMIM 603689.
Early-onset myopathy with fatal cardiomyopathy (CMYO5). Also called: CONGENITAL MYOPATHY 5 WITH CARDIOMYOPATHY; Salih Myopathy. Identifiers: Orphanet 289377, MedGen C2673677, MONDO:0012714, OMIM 611705. Disease mechanism: loss of function.
Tibial muscular dystrophy (TMD). Also called: Udd Distal Myopathy – Tibial Muscular Dystrophy; Tibial muscular dystrophy, tardive; UDD MYOPATHY. Identifiers: Orphanet 609, MedGen C1838244, MONDO:0010870, OMIM 600334.

Allele frequency attached by ClinVar (database versions not stated): gnomAD exomes 0.00004 and 0.00015; TOPMed 0.00008; gnomAD 0.00010 and 0.00014; ExAC 0.00015; 1000 Genomes Project 0.00060; 1000 Genomes Project 30x 0.00062.
gnomAD v4.1: 94 of 1,612,414 alleles (0.0058%); highest among the groups gnomAD compares: East Asian, 0.058%; no homozygotes.

Submissions (17):

Labcorp Genetics (formerly Invitae), Labcorp
Classification: Benign for Dilated cardiomyopathy 1G; Autosomal recessive limb-girdle muscular dystrophy type 2J. Last evaluated: 2026-01-27. Review status: criteria provided, single submitter. Criteria: Invitae Variant Classification Sherloc (09022015). Collection method: clinical testing. Allele origin: germline.

CeGaT Center for Human Genetics Tuebingen
Classification: Likely benign. Last evaluated: 2025-09-01. Review status: criteria provided, single submitter. Criteria: CeGaT Center For Human Genetics Tuebingen Variant Classification Criteria Version 2. Collection method: clinical testing. Allele origin: germline. Affected: yes. Observed: 1 variant allele.
Comment: TTN: BP4, BP7

Molecular Diagnostic Laboratory for Inherited Cardiovascular Disease, Montreal Heart Institute
Classification: Likely benign. Last evaluated: 2025-04-09. Review status: criteria provided, single submitter. Criteria: ACMG Guidelines, 2015. Collection method: clinical testing. Allele origin: germline. Affected: no.
Comment: BS1;BP7

Blueprint Genetics
Classification: Likely benign. Last evaluated: 2024-05-03. Review status: criteria provided, single submitter. Criteria: ACMG Guidelines, 2015. Collection method: clinical testing. Allele origin: germline.

Women's Health and Genetics/Laboratory Corporation of America, LabCorp
Classification: Likely benign. Last evaluated: 2023-08-19. Review status: criteria provided, single submitter. Criteria: LabCorp Variant Classification Summary - May 2015. Collection method: clinical testing. Allele origin: germline.

GeneDx
Classification: Likely benign. Last evaluated: 2020-11-25. Review status: criteria provided, single submitter. Criteria: GeneDx Variant Classification Process June 2021. Collection method: clinical testing. Allele origin: germline. Affected: yes.

CHEO Genetics Diagnostic Laboratory, Children's Hospital of Eastern Ontario
Classification: Benign for Cardiomyopathy. Last evaluated: 2019-06-26. Review status: criteria provided, single submitter. Criteria: ACMG Guidelines, 2015. Collection method: clinical testing. Allele origin: germline.

Ambry Genetics
Classification: Likely benign for Cardiovascular phenotype. Last evaluated: 2019-04-15. Review status: criteria provided, single submitter. Criteria: Ambry Variant Classification Scheme 2023. Collection method: clinical testing. Allele origin: germline.

Athena Diagnostics
Classification: Benign. Last evaluated: 2018-08-14. Review status: criteria provided, single submitter. Criteria: Athena Diagnostics Criteria. Collection method: clinical testing. Allele origin: germline.

Eurofins Ntd Llc (ga)
Classification: Uncertain significance. Last evaluated: 2018-05-18. Review status: criteria provided, single submitter. Criteria: EGL ClinVar v180209 classification definitions. Collection method: clinical testing. Allele origin: germline. Observed: 1 variant allele, 1 heterozygote.

Illumina Laboratory Services, Illumina
Classification: Uncertain significance for Early-onset myopathy with fatal cardiomyopathy. Last evaluated: 2018-01-13. Review status: criteria provided, single submitter. Criteria: ICSL Variant Classification Criteria 13 December 2019. Collection method: clinical testing. Allele origin: germline.

Illumina Laboratory Services, Illumina
Classification: Uncertain significance for Autosomal recessive limb-girdle muscular dystrophy type 2J. Last evaluated: 2018-01-13. Review status: criteria provided, single submitter. Criteria: ICSL Variant Classification Criteria 13 December 2019. Collection method: clinical testing. Allele origin: germline.

Illumina Laboratory Services, Illumina
Classification: Benign for Myopathy, myofibrillar, 9, with early respiratory failure. Last evaluated: 2018-01-13. Review status: criteria provided, single submitter. Criteria: ICSL Variant Classification Criteria 13 December 2019. Collection method: clinical testing. Allele origin: germline.
Comment: This variant was observed in the ICSL laboratory as part of a predisposition screen in an ostensibly healthy population. It had not been previously curated by ICSL or reported in the Human Gene Mutation Database (HGMD: prior to June 1st, 2018), and was therefore a candidate for classification through an automated scoring system. Utilizing variant allele frequency, disease prevalence and penetrance estimates, and inheritance mode, an automated score was calculated to assess if this variant is too frequent to cause the disease. Based on the score and internal cut-off values, a variant classified as benign is not then subjected to further curation. The score for this variant resulted in a classification of benign for this disease.

Illumina Laboratory Services, Illumina
Classification: Benign for Tibial muscular dystrophy. Last evaluated: 2018-01-13. Review status: criteria provided, single submitter. Criteria: ICSL Variant Classification Criteria 13 December 2019. Collection method: clinical testing. Allele origin: germline.
Comment: the same text as in the submission from Illumina Laboratory Services, Illumina above.

Illumina Laboratory Services, Illumina
Classification: Uncertain significance for Dilated cardiomyopathy 1G. Last evaluated: 2018-01-13. Review status: criteria provided, single submitter. Criteria: ICSL Variant Classification Criteria 13 December 2019. Collection method: clinical testing. Allele origin: germline.

Laboratory for Molecular Medicine, Mass General Brigham Personalized Medicine
Classification: Likely benign. Last evaluated: 2014-09-17. Review status: criteria provided, single submitter. Criteria: LMM Criteria. Collection method: clinical testing. Allele origin: germline. Observed: 1 variant allele.
Comment: Thr20809Thr in exon 275 of TTN: This variant is not expected to have clinical si gnificance because it does not alter an amino acid residue and is not located wi thin the splice consensus sequence.

PreventionGenetics, part of Exact Sciences
Classification: Likely benign for TTN-related condition. Last evaluated: 2022-10-17. Review status: no assertion criteria provided. Collection method: clinical testing. Allele origin: germline. Not counted in ClinVar's aggregate classification.
Comment: This variant is classified as likely benign based on ACMG/AMP sequence variant interpretation guidelines (Richards et al. 2015 PMID: 25741868, with internal and published modifications).

NM_001267550.2(TTN):c.70131A>G (p.Thr23377=)

Genes: TTN (titin; minus strand), TTN-AS1 (TTN antisense RNA 1; plus strand), LOC126806422 (BRD4-independent group 4 enhancer GRCh37_chr2:179440205-179441404; plus strand). Cytogenetic location: 2q31.2.
Variant type: single nucleotide variant.
Coding change: c.70131A>G on transcript NM_001267550.2 (MANE Select); coding-DNA position 70131, A replaced by G.
Protein change: p.Thr23377=; no amino-acid change (threonine 23377 retained).
Molecular consequence: synonymous variant.
Genome position (GRCh38, 1-based): chr2:178,576,001, T>C on the plus strand (A>G on the coding strand, the complement: TTN is on the minus strand). VCF-style: chr2-178576001-T-C. GRCh37 (hg19) VCF-style: chr2-179440728-T-C.
Other names: c.65208A>G, p.Thr21736= (NM_001256850.1); c.62427A>G, p.Thr20809= (NM_133378.4); c.42936A>G, p.Thr14312= (NM_003319.4); c.43311A>G, p.Thr14437= (NM_133432.3); c.43512A>G, p.Thr14504= (NM_133437.4).
Identifiers: ClinVar variation 180028 (VCV000180028.41), dbSNP rs369503828, ClinGen allele CA185670.